The following is an entry in ClinVar:

NM_001365951.3(KIF1B):c.4243A>G (p.Ile1415Val)

Gene: KIF1B (kinesin family member 1B; plus strand). Cytogenetic location: 1p36.22.
Variant type: single nucleotide variant.
Coding change: c.4243A>G on transcript NM_001365951.3 (MANE Select); coding-DNA position 4243, A replaced by G.
Protein change: p.Ile1415Val; replaces isoleucine 1415 with valine.
Molecular consequence: missense variant.
Genome position (GRCh38, 1-based): chr1:10,361,764, A>G. VCF-style: chr1-10361764-A-G. GRCh37 (hg19) VCF-style: chr1-10421822-A-G.
Other names: c.4243A>G, p.Ile1415Val (NM_001365952.1); c.4105A>G, p.Ile1369Val (NM_015074.3); short protein forms I1369V, I1415V.
Identifiers: ClinVar variation 4092364 (VCV004092364.1).

ClinVar aggregate classification (germline): Uncertain significance (1 of 4 stars; one submission).

Submission:

Ambry Genetics
Classification: Uncertain significance. Last evaluated: 2025-08-12. Review status: criteria provided, single submitter. Criteria: Ambry Variant Classification Scheme 2023. Collection method: clinical testing. Allele origin: germline.
Comment: The p.I1369V variant (also known as c.4105A>G), located in coding exon 37 of the KIF1B gene, results from an A to G substitution at nucleotide position 4105. The isoleucine at codon 1369 is replaced by valine, an amino acid with highly similar properties. This amino acid position is conserved. In addition, this alteration is predicted to be tolerated by in silico analysis. Based on the available evidence, the clinical significance of this variant remains unclear.